The following is an entry in ClinVar:

ClinVar aggregate classification (germline): Conflicting classifications of pathogenicity. Review status: criteria provided, conflicting classifications (1 of 4 stars). 5 submissions from 5 submitters: Uncertain significance (1); Benign (1); Likely benign (2). 1 of the submissions does not count toward it. Last evaluated 2025-12-19.

Conditions:
RTTN-related disorder. Also called: RTTN-related condition.

Allele frequency attached by ClinVar (database versions not stated): gnomAD exomes 0.00018 and 0.00047; ExAC 0.00050; 1000 Genomes Project 0.00140; ESP Exome Variant Server 0.00174; gnomAD 0.00178 and 0.00185; TOPMed 0.00216; 1000 Genomes Project 30x 0.00219.
gnomAD v4.1: 555 of 1,613,978 alleles (0.034%); highest among the groups gnomAD compares: African/African-American, 0.63%; 1 homozygote.

Submissions (5):

Labcorp Genetics (formerly Invitae), Labcorp
Classification: Benign. Last evaluated: 2025-12-19. Review status: criteria provided, single submitter. Criteria: Invitae Variant Classification Sherloc (09022015). Collection method: clinical testing. Allele origin: germline.

Blueprint Genetics
Classification: Likely benign. Last evaluated: 2024-06-11. Review status: criteria provided, single submitter. Criteria: ACMG Guidelines, 2015. Collection method: clinical testing. Allele origin: germline.

GeneDx
Classification: Likely benign. Last evaluated: 2020-12-28. Review status: criteria provided, single submitter. Criteria: GeneDx Variant Classification Process June 2021. Collection method: clinical testing. Allele origin: germline. Affected: yes.

Genetic Services Laboratory, University of Chicago
Classification: Uncertain significance. Last evaluated: 2015-05-01. Review status: criteria provided, single submitter. Criteria: ACMG Guidelines, 2015. Collection method: clinical testing. Allele origin: germline.

PreventionGenetics, part of Exact Sciences
Classification: Likely benign for RTTN-related condition. Last evaluated: 2019-05-07. Review status: no assertion criteria provided. Collection method: clinical testing. Allele origin: germline. Not counted in ClinVar's aggregate classification.
Comment: This variant is classified as likely benign based on ACMG/AMP sequence variant interpretation guidelines (Richards et al. 2015 PMID: 25741868, with internal and published modifications).

NM_173630.4(RTTN):c.5883G>A (p.Leu1961=)

Gene: RTTN (rotatin; minus strand). Cytogenetic location: 18q22.2.
Variant type: single nucleotide variant.
Coding change: c.5883G>A on transcript NM_173630.4 (MANE Select); coding-DNA position 5883, G replaced by A.
Protein change: p.Leu1961=; no amino-acid change (leucine 1961 retained).
Molecular consequence: synonymous variant.
Genome position (GRCh38, 1-based): chr18:70,024,789, C>T on the plus strand (G>A on the coding strand, the complement: RTTN is on the minus strand). VCF-style: chr18-70024789-C-T. GRCh37 (hg19) VCF-style: chr18-67692025-C-T.
Other names: c.3147G>A, p.Leu1049= (NM_001318520.2).
Identifiers: ClinVar variation 212084 (VCV000212084.19), dbSNP rs35313369, ClinGen allele CA206792.